The following is an entry in ClinVar:

NM_052844.4(DYNC2I2):c.95C>T (p.Pro32Leu)

Gene: DYNC2I2 (dynein 2 intermediate chain 2; minus strand). Cytogenetic location: 9q34.11.
Variant type: single nucleotide variant.
Coding change: c.95C>T on transcript NM_052844.4 (MANE Select); coding-DNA position 95, C replaced by T.
Protein change: p.Pro32Leu; replaces proline 32 with leucine.
Molecular consequence: missense variant.
Genome position (GRCh38, 1-based): chr9:128,656,632, G>A on the plus strand (C>T on the coding strand, the complement: DYNC2I2 is on the minus strand). VCF-style: chr9-128656632-G-A. GRCh37 (hg19) VCF-style: chr9-131418911-G-A.
Other names: c.95C>T (NM_052844.3); short protein forms P32L.
Identifiers: ClinVar variation 2195560 (VCV002195560.2), dbSNP rs1353426600, ClinGen allele CA375051329.

ClinVar aggregate classification (germline): Uncertain significance. Review status: criteria provided, multiple submitters, no conflicts (2 of 4 stars). 2 submissions from 2 submitters: Uncertain significance (2). Last evaluated 2024-03-22.

Conditions:
Inborn genetic diseases. Identifiers: MedGen C0950123, MeSH D030342.
Short-rib thoracic dysplasia 11 with or without polydactyly (SRTD11). Also called: SHORT-RIB THORACIC DYSPLASIA 11 WITHOUT POLYDACTYLY. Identifiers: Orphanet 474, Orphanet 93271, MedGen C3810200, MONDO:0014287, OMIM 615633.

Allele frequency attached by ClinVar (database versions not stated): gnomAD exomes below 0.00001; gnomAD 0.00003; TOPMed 0.00003; 1000 Genomes Project 30x 0.00016.
gnomAD v4.1: 7 of 1,498,832 alleles (0.00047%); highest among the groups gnomAD compares: African/African-American, 0.0043%; no homozygotes.

Submissions (2):

Ambry Genetics
Classification: Uncertain significance for Inborn genetic diseases. Last evaluated: 2024-03-22. Review status: criteria provided, single submitter. Criteria: Ambry Variant Classification Scheme 2023. Collection method: clinical testing. Allele origin: germline.

Labcorp Genetics (formerly Invitae), Labcorp
Classification: Uncertain significance for Short-rib thoracic dysplasia 11 with or without polydactyly. Last evaluated: 2022-02-13. Review status: criteria provided, single submitter. Criteria: Invitae Variant Classification Sherloc (09022015). Collection method: clinical testing. Allele origin: germline.
Comment: This sequence change replaces proline, which is neutral and non-polar, with leucine, which is neutral and non-polar, at codon 32 of the WDR34 protein (p.Pro32Leu). This variant is not present in population databases (gnomAD no frequency). This variant has not been reported in the literature in individuals affected with WDR34-related conditions. Algorithms developed to predict the effect of missense changes on protein structure and function are either unavailable or do not agree on the potential impact of this missense change (SIFT: "Deleterious"; PolyPhen-2: "Possibly Damaging"; Align-GVGD: "Class C0"). In summary, the available evidence is currently insufficient to determine the role of this variant in disease. Therefore, it has been classified as a Variant of Uncertain Significance.